The following is an entry in ClinVar:

NM_022835.3(PLEKHG2):c.1046G>A (p.Arg349His)

Gene: PLEKHG2 (pleckstrin homology and RhoGEF domain containing G2; plus strand). Cytogenetic location: 19q13.2.
Variant type: single nucleotide variant.
Coding change: c.1046G>A on transcript NM_022835.3 (MANE Select); coding-DNA position 1046, G replaced by A.
Protein change: p.Arg349His; replaces arginine 349 with histidine.
Molecular consequence: missense variant.
Genome position (GRCh38, 1-based): chr19:39,418,068, G>A. VCF-style: chr19-39418068-G-A. GRCh37 (hg19) VCF-style: chr19-39908708-G-A.
Other names: c.869G>A, p.Arg290His (NM_001351693.2); c.1046G>A, p.Arg349His (NM_001351694.2); short protein forms R290H, R349H.
Identifiers: ClinVar variation 1034014 (VCV001034014.3), dbSNP rs956539284, ClinGen allele CA308241882.
Genomic context (GRCh38, chr19:39,418,068, plus strand): 5'-GGCTACGAGGGGGTGAGCGGCTGCTCTTCCTGTTCTCTCGGATGCTGCTGGTGGCCAAGC[G>A]CAGGGGGCTGGAGTACACCTACAAAGGCCACATCTTCGTGAGTTTGGGGATGGGGTGGGG-3'
Protein context (NP_073746.2, residues 339-359): LFSRMLLVAK[Arg349His]RGLEYTYKGH

ClinVar aggregate classification (germline): Uncertain significance. Review status: criteria provided, multiple submitters, no conflicts (2 of 4 stars). 2 submissions from 2 submitters: Uncertain significance (2). Last evaluated 2023-02-28.

Conditions:
Leukodystrophy and acquired microcephaly with or without dystonia;. Also called: Leukodystrophy and acquired microcephaly with or without dystonia. Identifiers: MedGen C4225213, MONDO:0014766, OMIM 616763.

Allele frequency attached by ClinVar (database versions not stated): TOPMed 0.00002.
gnomAD v4.1: 25 of 1,541,106 alleles (0.0016%); highest among the groups gnomAD compares: East Asian, 0.0045%; no homozygotes.

Submissions (2):

Ambry Genetics
Classification: Uncertain significance. Last evaluated: 2023-02-28. Review status: criteria provided, single submitter. Criteria: Ambry Variant Classification Scheme 2023. Collection method: clinical testing. Allele origin: germline.

Baylor Genetics
Classification: Uncertain significance for Leukodystrophy and acquired microcephaly with or without dystonia;. Last evaluated: 2018-11-26. Review status: criteria provided, single submitter. Criteria: ACMG Guidelines, 2015. Collection method: clinical testing. Allele origin: paternal. Affected: yes.
Comment: This variant was determined to be of uncertain significance according to ACMG Guidelines, 2015 [PMID:25741868].